The following is an entry in ClinVar:

NM_000824.5(GLRB):c.1129G>T (p.Gly377Cys)

Gene: GLRB (glycine receptor beta; plus strand). Cytogenetic location: 4q32.1.
Variant type: single nucleotide variant.
Coding change: c.1129G>T on transcript NM_000824.5 (MANE Select); coding-DNA position 1129, G replaced by T.
Protein change: p.Gly377Cys; replaces glycine 377 with cysteine.
Molecular consequence: missense variant. On other transcripts: intron variant (1).
Genome position (GRCh38, 1-based): chr4:157,152,942, G>T. VCF-style: chr4-157152942-G-T. GRCh37 (hg19) VCF-style: chr4-158074094-G-T.
Other names: c.1129G>T, p.Gly377Cys (NM_001166060.2); c.904+8983G>T (NM_001166061.2); short protein forms G377C.
Identifiers: ClinVar variation 1482456 (VCV001482456.5), dbSNP rs1483255844, ClinGen allele CA358644681.

ClinVar aggregate classification (germline): Uncertain significance (1 of 4 stars; one submission).

Conditions:
Hyperekplexia 2 (HKPX2). Identifiers: Orphanet 3197, MedGen C3553291, MONDO:0013828, OMIM 614619.

Allele frequency attached by ClinVar (database versions not stated): TOPMed below 0.00001; gnomAD 0.00001.
gnomAD v4.1: 7 of 1,613,856 alleles (0.00043%); highest among the groups gnomAD compares: Non-Finnish European, 0.00042%; no homozygotes.

Submission:

Labcorp Genetics (formerly Invitae), Labcorp
Classification: Uncertain significance for Hyperekplexia 2. Last evaluated: 2022-06-16. Review status: criteria provided, single submitter. Criteria: Invitae Variant Classification Sherloc (09022015). Collection method: clinical testing. Allele origin: germline.
Comment: This sequence change replaces glycine, which is neutral and non-polar, with cysteine, which is neutral and slightly polar, at codon 377 of the GLRB protein (p.Gly377Cys). This variant is not present in population databases (gnomAD no frequency). This variant has not been reported in the literature in individuals affected with GLRB-related conditions. Advanced modeling of protein sequence and biophysical properties (such as structural, functional, and spatial information, amino acid conservation, physicochemical variation, residue mobility, and thermodynamic stability) performed at Invitae indicates that this missense variant is not expected to disrupt GLRB protein function. In summary, the available evidence is currently insufficient to determine the role of this variant in disease. Therefore, it has been classified as a Variant of Uncertain Significance.